The following is an entry in ClinVar:

NM_001164508.2(NEB):c.7621G>A (p.Ala2541Thr)

Gene: NEB (nebulin; minus strand). Cytogenetic location: 2q23.3.
Variant type: single nucleotide variant.
Coding change: c.7621G>A on transcript NM_001164508.2 (MANE Select); coding-DNA position 7621, G replaced by A.
Protein change: p.Ala2541Thr; replaces alanine 2541 with threonine.
Molecular consequence: missense variant.
Genome position (GRCh38, 1-based): chr2:151,644,491, C>T on the plus strand (G>A on the coding strand, the complement: NEB is on the minus strand). VCF-style: chr2-151644491-C-T. GRCh37 (hg19) VCF-style: chr2-152501005-C-T.
Other names: c.7621G>A, p.Ala2541Thr (NM_001164507.2, NM_001271208.2, NM_004543.5); c.7621G>A (NM_004543.4); short protein forms A2541T.
Identifiers: ClinVar variation 1806703 (VCV001806703.4), dbSNP rs756001738, ClinGen allele CA57628942.

ClinVar aggregate classification (germline): Uncertain significance. Review status: criteria provided, multiple submitters, no conflicts (2 of 4 stars). 2 submissions from 2 submitters: Uncertain significance (2). Last evaluated 2022-06-23.

Conditions:
Inborn genetic diseases. Identifiers: MedGen C0950123, MeSH D030342.

Allele frequency attached by ClinVar (database versions not stated): gnomAD 0.00001; gnomAD exomes 0.00001.
gnomAD v4.1: 20 of 1,613,574 alleles (0.0012%); highest among the groups gnomAD compares: Non-Finnish European, 0.0017%; no homozygotes.

Submissions (2):

GeneDx
Classification: Uncertain significance. Last evaluated: 2022-06-23. Review status: criteria provided, single submitter. Criteria: GeneDx Variant Classification Process June 2021. Collection method: clinical testing. Allele origin: germline. Affected: yes.
Comment: Not observed at significant frequency in large population cohorts (gnomAD); In silico analysis supports that this missense variant does not alter protein structure/function; Has not been previously published as pathogenic or benign to our knowledge

Ambry Genetics
Classification: Uncertain significance for Inborn genetic diseases. Last evaluated: 2021-08-09. Review status: criteria provided, single submitter. Criteria: Ambry Variant Classification Scheme 2023. Collection method: clinical testing. Allele origin: germline.